The following is an entry in ClinVar:

NM_021625.5(TRPV4):c.1577T>G (p.Phe526Cys)

Gene: TRPV4 (transient receptor potential cation channel subfamily V member 4; minus strand). Cytogenetic location: 12q24.11.
Variant type: single nucleotide variant.
Coding change: c.1577T>G on transcript NM_021625.5 (MANE Select); coding-DNA position 1577, T replaced by G.
Protein change: p.Phe526Cys; replaces phenylalanine 526 with cysteine.
Molecular consequence: missense variant.
Genome position (GRCh38, 1-based): chr12:109,793,937, A>C on the plus strand (T>G on the coding strand, the complement: TRPV4 is on the minus strand). VCF-style: chr12-109793937-A-C. GRCh37 (hg19) VCF-style: chr12-110231742-A-C.
Other names: c.1475T>G, p.Phe492Cys (NM_001177431.2); c.1256T>G, p.Phe419Cys (NM_001177433.2); c.1397T>G, p.Phe466Cys (NM_147204.3); c.1436T>G, p.Phe479Cys (NM_001177428.2); short protein forms F526C, F419C, F492C, F466C, F479C.
Identifiers: ClinVar variation 469038 (VCV000469038.34), dbSNP rs1329377960, ClinGen allele CA386651835.

ClinVar aggregate classification (germline): Uncertain significance. Review status: criteria provided, multiple submitters, no conflicts (2 of 4 stars). 2 submissions from 2 submitters: Uncertain significance (2). Last evaluated 2025-03-20.

Conditions:
Charcot-Marie-Tooth disease axonal type 2C (HMSN2C). Also called: Charcot-Marie-Tooth Disease Type 2, TRPV4-Related (CMT2C); CHARCOT-MARIE-TOOTH DISEASE, AXONAL, AUTOSOMAL DOMINANT, TYPE 2C; Charcot-Marie-Tooth Neuropathy Type 2C. Identifiers: Orphanet 99937, MedGen C1853710, MONDO:0011633, OMIM 606071.

Allele frequency attached by ClinVar (database versions not stated): gnomAD exomes below 0.00001 and 0.00001; gnomAD 0.00001; TOPMed 0.00001.
gnomAD v4.1: 14 of 1,608,632 alleles (0.00087%); highest among the groups gnomAD compares: Non-Finnish European, 0.0012%; no homozygotes.

Submissions (2):

Labcorp Genetics (formerly Invitae), Labcorp
Classification: Uncertain significance for Charcot-Marie-Tooth disease axonal type 2C. Last evaluated: 2025-03-20. Review status: criteria provided, single submitter. Criteria: Invitae Variant Classification Sherloc (09022015). Collection method: clinical testing. Allele origin: germline.
Comment: This sequence change replaces phenylalanine, which is neutral and non-polar, with cysteine, which is neutral and slightly polar, at codon 526 of the TRPV4 protein (p.Phe526Cys). The frequency data for this variant in the population databases is considered unreliable, as metrics indicate poor data quality at this position in the gnomAD database. This variant has not been reported in the literature in individuals affected with TRPV4-related conditions. ClinVar contains an entry for this variant (Variation ID: 469038). Invitae Evidence Modeling of protein sequence and biophysical properties (such as structural, functional, and spatial information, amino acid conservation, physicochemical variation, residue mobility, and thermodynamic stability) indicates that this missense variant is not expected to disrupt TRPV4 protein function with a negative predictive value of 95%. In summary, the available evidence is currently insufficient to determine the role of this variant in disease. Therefore, it has been classified as a Variant of Uncertain Significance.

CeGaT Center for Human Genetics Tuebingen
Classification: Uncertain significance. Last evaluated: 2022-10-01. Review status: criteria provided, single submitter. Criteria: CeGaT Center For Human Genetics Tuebingen Variant Classification Criteria Version 2. Collection method: clinical testing. Allele origin: germline. Affected: yes. Observed: 1 variant allele.